The following is an entry in ClinVar:

NM_018834.6(MATR3):c.408G>A (p.Glu136=)

Gene: MATR3 (matrin 3; plus strand). Cytogenetic location: 5q31.2.
Variant type: single nucleotide variant.
Coding change: c.408G>A on transcript NM_018834.6 (MANE Select); coding-DNA position 408, G replaced by A.
Protein change: p.Glu136=; no amino-acid change (glutamic acid 136 retained).
Molecular consequence: synonymous variant. On other transcripts: intron variant (11).
Genome position (GRCh38, 1-based): chr5:139,307,823, G>A. VCF-style: chr5-139307823-G-A. GRCh37 (hg19) VCF-style: chr5-138643512-G-A.
Other names: c.408G>A, p.Glu136= (NM_001194954.2, NM_001194955.2, NM_001400441.1 and 16 more transcripts); c.52-6852G>A (NM_001400459.1); c.-102-6852G>A (NM_001400463.1, NM_001400460.1, NM_001282278.2 and 3 more transcripts); c.-40-7874G>A (NM_001400462.1, NM_001400467.1); c.13-6852G>A (NM_001400461.1); c.49-6852G>A (NM_001194956.2).
Identifiers: ClinVar variation 4984302 (VCV004984302.1).

ClinVar aggregate classification (germline): Likely benign (1 of 4 stars; one submission).

Conditions:
MATR3-related disorder. Also called: MATR3-related condition.

Submission:

PreventionGenetics, part of Exact Sciences
Classification: Likely benign for MATR3-related condition. Last evaluated: 2025-02-13. Review status: criteria provided, single submitter. Criteria: ACMG Guidelines, 2015. Collection method: clinical testing. Allele origin: germline.
Comment: This variant is classified as likely benign based on ACMG/AMP sequence variant interpretation guidelines (Richards et al. 2015 PMID: 25741868, with internal and published modifications).